The following is an entry in ClinVar:

ClinVar aggregate classification (germline): Uncertain significance (1 of 4 stars; one submission).

gnomAD v4.1: 6 of 1,613,908 alleles (0.00037%); highest among the groups gnomAD compares: Non-Finnish European, 0.00051%; no homozygotes.

Submission:

Labcorp Genetics (formerly Invitae), Labcorp
Classification: Uncertain significance. Last evaluated: 2024-09-09. Review status: criteria provided, single submitter. Criteria: Invitae Variant Classification Sherloc (09022015). Collection method: clinical testing. Allele origin: germline.
Comment: This sequence change replaces arginine, which is basic and polar, with glycine, which is neutral and non-polar, at codon 423 of the PCK2 protein (p.Arg423Gly). This variant is not present in population databases (gnomAD no frequency). This variant has not been reported in the literature in individuals affected with PCK2-related conditions. Invitae Evidence Modeling of protein sequence and biophysical properties (such as structural, functional, and spatial information, amino acid conservation, physicochemical variation, residue mobility, and thermodynamic stability) indicates that this missense variant is expected to disrupt PCK2 protein function with a positive predictive value of 80%. In summary, the available evidence is currently insufficient to determine the role of this variant in disease. Therefore, it has been classified as a Variant of Uncertain Significance.

NM_004563.4(PCK2):c.1267C>G (p.Arg423Gly)

Genes: NRL (neural retina leucine zipper; minus strand), PCK2 (phosphoenolpyruvate carboxykinase 2, mitochondrial; plus strand). Cytogenetic location: 14q12.
Variant type: single nucleotide variant.
Coding change: c.1267C>G on transcript NM_004563.4 (MANE Select); coding-DNA position 1267, C replaced by G.
Protein change: p.Arg423Gly; replaces arginine 423 with glycine.
Molecular consequence: missense variant. On other transcripts: intron variant (3).
Genome position (GRCh38, 1-based): chr14:24,102,785, C>G. VCF-style: chr14-24102785-C-G. GRCh37 (hg19) VCF-style: chr14-24571994-C-G.
Other names: c.865C>G, p.Arg289Gly (NM_001291556.2, NM_001308054.2); c.-28+11937G>C (NM_001354768.3, NM_001354770.2); c.-254+11937G>C (NM_006177.5); short protein forms R289G, R423G.
Identifiers: ClinVar variation 3713098 (VCV003713098.2).
Genomic context (GRCh38, chr14:24,102,785, plus strand): 5'-ATAATAGTGTTTGTATTTCCTCTGCCAGGTGACAAGGAGCCCTGTGCACATCCCAACTCT[C>G]GATTTTGTGCCCCGGCTCGCCAGTGCCCCATCATGGACCCAGCCTGGGAGGCCCCAGAGG-3'
Protein context (NP_004554.3, residues 413-433): DKEPCAHPNS[Arg423Gly]FCAPARQCPI